The following is an entry in ClinVar:

NM_000044.6(AR):c.1365T>C (p.Gly455=)

Gene: AR (androgen receptor; plus strand). Cytogenetic location: Xq12.
Variant type: single nucleotide variant.
Coding change: c.1365T>C on transcript NM_000044.6 (MANE Select); coding-DNA position 1365, T replaced by C.
Protein change: p.Gly455=; no amino-acid change (glycine 455 retained).
Molecular consequence: synonymous variant. On other transcripts: 5 prime UTR variant (1).
Genome position (GRCh38, 1-based): chrX:67,546,511, T>C. VCF-style: chrX-67546511-T-C. GRCh37 (hg19) VCF-style: chrX-66766353-T-C.
Other names: c.-419T>C (NM_001011645.3); c.1365T>C, p.Gly455= (NM_001348061.1, NM_001348063.1, NM_001348064.1 and 1 more transcripts).
Identifiers: ClinVar variation 2660773 (VCV002660773.27), dbSNP rs868682000, ClinGen allele CA330757168.
Genomic context (GRCh38, chrX:67,546,511, plus strand): 5'-GCACACTCTCTTCACAGCCGAAGAAGGCCAGTTGTATGGACCGTGTGGTGGTGGTGGGGG[T>C]GGTGGCGGCGGCGGCGGCGGCGGCGGCGGCGGCGGCGGCGGCGGCGGCGGCGGCGAGGCG-3'
Protein context (NP_000035.2, residues 445-465): QLYGPCGGGG[Gly455=]GGGGGGGGGG

ClinVar aggregate classification (germline): Likely benign. Review status: criteria provided, multiple submitters, no conflicts (2 of 4 stars). 2 submissions from 2 submitters: Likely benign (2). Last evaluated 2024-01-25.

Conditions:
Kennedy disease (SMAX1). Also called: SPINAL AND BULBAR MUSCULAR ATROPHY, X-LINKED 1; KENNEDY SPINAL AND BULBAR MUSCULAR ATROPHY; Spinal and Bulbar Muscular Atrophy. Identifiers: Orphanet 481, MedGen C1839259, MONDO:0010735, OMIM 313200.
Androgen resistance syndrome (AIS). Also called: Androgen insensitivity; DHTR DEFICIENCY; ANDROGEN RECEPTOR DEFICIENCY; DIHYDROTESTOSTERONE RECEPTOR DEFICIENCY; TESTICULAR FEMINIZATION SYNDROME; Androgen insensitivity syndrome. Identifiers: Orphanet 754, Orphanet 99429, MedGen C0039585, MONDO:0019154, OMIM 300068. Disease mechanism: loss of function.

Submissions (2):

Labcorp Genetics (formerly Invitae), Labcorp
Classification: Likely benign for Kennedy disease; Androgen resistance syndrome. Last evaluated: 2024-01-25. Review status: criteria provided, single submitter. Criteria: Invitae Variant Classification Sherloc (09022015). Collection method: clinical testing. Allele origin: germline.

CeGaT Center for Human Genetics Tuebingen
Classification: Likely benign. Last evaluated: 2023-04-01. Review status: criteria provided, single submitter. Criteria: CeGaT Center For Human Genetics Tuebingen Variant Classification Criteria Version 2. Collection method: clinical testing. Allele origin: germline. Affected: yes. Observed: 1 variant allele.
Comment: AR: BP4